The following is an entry in ClinVar:

NM_000023.4(SGCA):c.333C>A (p.Asp111Glu)

Gene: SGCA (sarcoglycan alpha; plus strand). Cytogenetic location: 17q21.33.
Variant type: single nucleotide variant.
Coding change: c.333C>A on transcript NM_000023.4 (MANE Select); coding-DNA position 333, C replaced by A.
Protein change: p.Asp111Glu; replaces aspartic acid 111 with glutamic acid.
Molecular consequence: missense variant. On other transcripts: non-coding transcript variant (1).
Genome position (GRCh38, 1-based): chr17:50,167,967, C>A. VCF-style: chr17-50167967-C-A. GRCh37 (hg19) VCF-style: chr17-48245328-C-A.
Other names: c.333C>A, p.Asp111Glu (NM_001135697.3); short protein forms D111E.
Identifiers: ClinVar variation 935394 (VCV000935394.7), dbSNP rs1905064323, ClinGen allele CA400178429.

ClinVar aggregate classification (germline): Uncertain significance (1 of 4 stars; one submission).

Conditions:
Autosomal recessive limb-girdle muscular dystrophy type 2D (LGMDR3). Also called: ADHALINOPATHY, PRIMARY; MUSCULAR DYSTROPHY, LIMB-GIRDLE, AUTOSOMAL RECESSIVE 3; DUCHENNE-LIKE AUTOSOMAL RECESSIVE MUSCULAR DYSTROPHY, TYPE 2. Identifiers: Orphanet 62, MedGen C2936332, MONDO:0011968, OMIM 608099. Disease mechanism: Affects gamma-sarcoglycan and also disrupts the integrity of the entire sarcoglycan complex..

Submission:

Labcorp Genetics (formerly Invitae), Labcorp
Classification: Uncertain significance for Autosomal recessive limb-girdle muscular dystrophy type 2D. Last evaluated: 2021-09-02. Review status: criteria provided, single submitter. Criteria: Invitae Variant Classification Sherloc (09022015). Collection method: clinical testing. Allele origin: germline.
Comment: This sequence change replaces aspartic acid with glutamic acid at codon 111 of the SGCA protein (p.Asp111Glu). The aspartic acid residue is weakly conserved and there is a small physicochemical difference between aspartic acid and glutamic acid. This variant is not present in population databases (ExAC no frequency). This variant has not been reported in the literature in individuals affected with SGCA-related conditions. Algorithms developed to predict the effect of missense changes on protein structure and function output the following: SIFT: "Tolerated"; PolyPhen-2: "Benign"; Align-GVGD: "Class C0". The glutamic acid amino acid residue is found in multiple mammalian species, which suggests that this missense change does not adversely affect protein function. In summary, the available evidence is currently insufficient to determine the role of this variant in disease. Therefore, it has been classified as a Variant of Uncertain Significance.